The following is an entry in ClinVar:

NM_000264.5(PTCH1):c.2733T>A (p.Asp911Glu)

Gene: PTCH1 (patched 1; minus strand). Cytogenetic location: 9q22.32.
Variant type: single nucleotide variant.
Coding change: c.2733T>A on transcript NM_000264.5 (MANE Select); coding-DNA position 2733, T replaced by A.
Protein change: p.Asp911Glu; replaces aspartic acid 911 with glutamic acid.
Molecular consequence: missense variant. On other transcripts: non-coding transcript variant (1).
Genome position (GRCh38, 1-based): chr9:95,459,754, A>T on the plus strand (T>A on the coding strand, the complement: PTCH1 is on the minus strand). VCF-style: chr9-95459754-A-T. GRCh37 (hg19) VCF-style: chr9-98222036-A-T.
Other names: c.2733T>A (NM_000264.4); c.2535T>A, p.Asp845Glu (NM_001083602.3); c.2730T>A, p.Asp910Glu (NM_001083603.3); c.2280T>A, p.Asp760Glu (NM_001083604.3, NM_001083605.3, NM_001083606.3 and 1 more transcripts); c.2577T>A, p.Asp859Glu (NM_001354918.2); short protein forms D760E, D845E, D859E, D910E, D911E.
Identifiers: ClinVar variation 1009851 (VCV001009851.15), dbSNP rs1839296987, ClinGen allele CA374113201.

ClinVar aggregate classification (germline): Uncertain significance. Review status: criteria provided, multiple submitters, no conflicts (2 of 4 stars). 3 submissions from 3 submitters: Uncertain significance (3). Last evaluated 2025-05-18.

Conditions:
Hereditary cancer-predisposing syndrome. Also called: Tumor predisposition; Hereditary Cancer Syndrome; Neoplastic Syndromes, Hereditary; Hereditary neoplastic syndrome. Identifiers: Orphanet 140162, MedGen C0027672, MeSH D009386, MONDO:0015356.
Gorlin syndrome. Also called: Nevoid Basal Cell Carcinoma Syndrome; Basal cell nevus syndrome. Identifiers: Orphanet 377, MedGen C0004779, MONDO:0007187.

Allele frequency attached by ClinVar (database versions not stated): gnomAD exomes below 0.00001.

Submissions (3):

Quest Diagnostics Nichols Institute San Juan Capistrano
Classification: Uncertain significance. Last evaluated: 2025-05-18. Review status: criteria provided, single submitter. Criteria: Quest Diagnostics criteria. Collection method: clinical testing. Allele origin: unknown.
Comment: The PTCH1 c.2733T>A (p.Asp911Glu) variant has not been reported in individuals with PTCH1-related conditions in the published literature. It also has not been reported in large, multi-ethnic general populations (Genome Aggregation Database). Analysis of this variant using bioinformatics tools for the prediction of the effect of amino acid changes on protein structure and function yielded predictions that this variant is benign. Based on the available information, we are unable to determine the clinical significance of this variant.

Ambry Genetics
Classification: Uncertain significance for Hereditary cancer-predisposing syndrome. Last evaluated: 2021-10-27. Review status: criteria provided, single submitter. Criteria: Ambry Variant Classification Scheme 2023. Collection method: clinical testing. Allele origin: germline.
Comment: The p.D911E variant (also known as c.2733T>A), located in coding exon 17 of the PTCH1 gene, results from a T to A substitution at nucleotide position 2733. The aspartic acid at codon 911 is replaced by glutamic acid, an amino acid with highly similar properties. This amino acid position is well conserved in available vertebrate species. In addition, the in silico prediction for this alteration is inconclusive. Since supporting evidence is limited at this time, the clinical significance of this alteration remains unclear.

Labcorp Genetics (formerly Invitae), Labcorp
Classification: Uncertain significance for Gorlin syndrome. Last evaluated: 2020-10-30. Review status: criteria provided, single submitter. Criteria: Invitae Variant Classification Sherloc (09022015). Collection method: clinical testing. Allele origin: germline.
Comment: In summary, the available evidence is currently insufficient to determine the role of this variant in disease. Therefore, it has been classified as a Variant of Uncertain Significance. Advanced modeling of protein sequence and biophysical properties (such as structural, functional, and spatial information, amino acid conservation, physicochemical variation, residue mobility, and thermodynamic stability) performed at Invitae indicates that this missense variant is not expected to disrupt PTCH1 protein function. This variant has not been reported in the literature in individuals with PTCH1-related conditions. This variant is not present in population databases (ExAC no frequency). This sequence change replaces aspartic acid with glutamic acid at codon 911 of the PTCH1 protein (p.Asp911Glu). The aspartic acid residue is moderately conserved and there is a small physicochemical difference between aspartic acid and glutamic acid.